The following is an entry in ClinVar:

ClinVar aggregate classification (germline): Likely benign (1 of 4 stars; one submission).

Allele frequency attached by ClinVar (database versions not stated): 1000 Genomes Project 0.00020; 1000 Genomes Project 30x 0.00031; gnomAD 0.00175; TOPMed 0.00218; ESP Exome Variant Server 0.00238; ExAC 0.00256; gnomAD exomes 0.00333.
gnomAD v4.1: 5,091 of 1,614,068 alleles (0.32%); highest among the groups gnomAD compares: Non-Finnish European, 0.4%; 9 homozygotes.

Submission:

CeGaT Center for Human Genetics Tuebingen
Classification: Likely benign. Last evaluated: 2022-08-01. Review status: criteria provided, single submitter. Criteria: CeGaT Center For Human Genetics Tuebingen Variant Classification Criteria Version 2. Collection method: clinical testing. Allele origin: germline. Affected: yes. Observed: 1 variant allele.
Comment: INTS5: BP4, BS2

NM_030628.2(INTS5):c.1390C>T (p.Pro464Ser)

Gene: INTS5 (integrator complex subunit 5; minus strand). Cytogenetic location: 11q12.3.
Variant type: single nucleotide variant.
Coding change: c.1390C>T on transcript NM_030628.2 (MANE Select); coding-DNA position 1390, C replaced by T.
Protein change: p.Pro464Ser; replaces proline 464 with serine.
Molecular consequence: missense variant.
Genome position (GRCh38, 1-based): chr11:62,648,690, G>A on the plus strand (C>T on the coding strand, the complement: INTS5 is on the minus strand). VCF-style: chr11-62648690-G-A. GRCh37 (hg19) VCF-style: chr11-62416162-G-A.
Other names: short protein forms P464S.
Identifiers: ClinVar variation 2641886 (VCV002641886.24), dbSNP rs74418227, ClinGen allele CA6051615.